The following is an entry in ClinVar:

NM_002693.3(POLG):c.186A>G (p.Leu62=)

Genes: POLG (DNA polymerase gamma, catalytic subunit; minus strand), POLGARF (POLG alternative reading frame; minus strand). Cytogenetic location: 15q26.1.
Variant type: single nucleotide variant.
Coding change: c.186A>G on transcript NM_002693.3 (MANE Select); coding-DNA position 186, A replaced by G.
Protein change: p.Leu62=; no amino-acid change (leucine 62 retained).
Molecular consequence: synonymous variant.
Genome position (GRCh38, 1-based): chr15:89,333,569, T>C on the plus strand (A>G on the coding strand, the complement: POLG is on the minus strand). VCF-style: chr15-89333569-T-C. GRCh37 (hg19) VCF-style: chr15-89876800-T-C.
Other names: c.186A>G, p.Leu62= (NM_001126131.2).
Identifiers: ClinVar variation 387577 (VCV000387577.20), dbSNP rs745310138, ClinGen allele CA7725165.

ClinVar aggregate classification (germline): Conflicting classifications of pathogenicity. Review status: criteria provided, conflicting classifications (1 of 4 stars). 5 submissions from 5 submitters: Uncertain significance (1); Likely benign (3). 1 of the submissions does not count toward it. Last evaluated 2025-12-22.

Conditions:
POLG-related disorder. Also called: POLG-related condition; POLG-Related Disorders; POLG-Related Spectrum Disorders. Identifiers: MedGen C4763519.
Progressive sclerosing poliodystrophy (MTDPS4A). Also called: ALPERS PROGRESSIVE INFANTILE POLIODYSTROPHY; NEURONAL DEGENERATION OF CHILDHOOD WITH LIVER DISEASE, PROGRESSIVE; Alpers-Huttenlocher Syndrome (AHS); Alpers Syndrome; Mitochondrial DNA Depletion Syndrome 4A; ALPERS DIFFUSE DEGENERATION OF CEREBRAL GRAY MATTER WITH HEPATIC CIRRHOSIS. Identifiers: Orphanet 726, MedGen C0205710, MONDO:0008758, OMIM 203700.

Allele frequency attached by ClinVar (database versions not stated): gnomAD exomes 0.00003 and 0.00007; ExAC 0.00006; TOPMed 0.00008; gnomAD 0.00015 and 0.00016.
gnomAD v4.1: 60 of 1,610,600 alleles (0.0037%); highest among the groups gnomAD compares: Admixed American, 0.047%; no homozygotes.

Submissions (5):

Labcorp Genetics (formerly Invitae), Labcorp
Classification: Likely benign for Progressive sclerosing poliodystrophy. Last evaluated: 2025-12-22. Review status: criteria provided, single submitter. Criteria: Invitae Variant Classification Sherloc (09022015). Collection method: clinical testing. Allele origin: germline.

Wong Mito Lab, Molecular and Human Genetics, Baylor College of Medicine
Classification: Likely benign for Progressive sclerosing poliodystrophy. Last evaluated: 2018-10-01. Review status: criteria provided, single submitter. Criteria: ACMG Guidelines, 2015. Collection method: clinical testing. Allele origin: germline.
Comment: The NM_002693.2:c.186A>G (NP_002684.1:p.Leu62=) [GRCH38: NC_000015.10:g.89333569T>C] variant in POLG gene is interpretated to be a Likely Benign based on ACMG guidelines (PMID: 25741868). This variant meets the following evidence codes reported in the ACMG-guideline. BP4:Computational evidence/predictors indicate no impact on the POLG structure, function, or protein-protein interaction. BP7:The variant is silent with non predicted splice impact. Based on the evidence criteria codes applied, the variant is suggested to be Likely Benign.

GeneDx
Classification: Likely benign. Last evaluated: 2018-06-18. Review status: criteria provided, single submitter. Criteria: GeneDx Variant Classification Process June 2021. Collection method: clinical testing. Allele origin: germline. Affected: yes.

Eurofins Ntd Llc (ga)
Classification: Uncertain significance. Last evaluated: 2016-11-02. Review status: criteria provided, single submitter. Criteria: EGL Classification Definitions 2015. Collection method: clinical testing. Allele origin: germline. Observed: 1 variant allele, 1 heterozygote.

PreventionGenetics, part of Exact Sciences
Classification: Likely benign for POLG-related condition. Last evaluated: 2024-05-17. Review status: no assertion criteria provided. Collection method: clinical testing. Allele origin: germline. Not counted in ClinVar's aggregate classification.
Comment: This variant is classified as likely benign based on ACMG/AMP sequence variant interpretation guidelines (Richards et al. 2015 PMID: 25741868, with internal and published modifications).